The following is an entry in ClinVar:

NM_020765.3(UBR4):c.10005A>G (p.Ala3335=)

Gene: UBR4 (ubiquitin protein ligase E3 component n-recognin 4; minus strand). Cytogenetic location: 1p36.13.
Variant type: single nucleotide variant.
Coding change: c.10005A>G on transcript NM_020765.3 (MANE Select); coding-DNA position 10005, A replaced by G.
Protein change: p.Ala3335=; no amino-acid change (alanine 3335 retained).
Molecular consequence: synonymous variant.
Genome position (GRCh38, 1-based): chr1:19,121,325, T>C on the plus strand (A>G on the coding strand, the complement: UBR4 is on the minus strand). VCF-style: chr1-19121325-T-C. GRCh37 (hg19) VCF-style: chr1-19447819-T-C.
Identifiers: ClinVar variation 3056550 (VCV003056550.2), dbSNP rs35802543, ClinGen allele CA649310.

ClinVar aggregate classification (germline): Benign (0 of 4 stars; one submission).

Conditions:
UBR4-related disorder. Also called: UBR4-related condition.

Allele frequency attached by ClinVar (database versions not stated): 1000 Genomes Project 0.04593; 1000 Genomes Project 30x 0.04622; ExAC 0.08298; gnomAD 0.08468; ESP Exome Variant Server 0.09449.

Submission:

PreventionGenetics, part of Exact Sciences
Classification: Benign for UBR4-related condition. Last evaluated: 2019-07-08. Review status: no assertion criteria provided. Collection method: clinical testing. Allele origin: germline.
Comment: This variant is classified as benign based on ACMG/AMP sequence variant interpretation guidelines (Richards et al. 2015 PMID: 25741868, with internal and published modifications).